The following is an entry in ClinVar:

ClinVar aggregate classification (germline): Uncertain significance (1 of 4 stars; one submission).

Conditions:
CBL-related disorder. Also called: CBL MUTATION-ASSOCIATED SYNDROME; CBL SYNDROME; NOONAN SYNDROME-LIKE DISORDER WITHOUT JUVENILE MYELOMONOCYTIC LEUKEMIA. Identifiers: Orphanet 363972, MedGen C3150803, MONDO:0013308, OMIM 613563.

Submission:

3billion
Classification: Uncertain significance for CBL-related disorder. Last evaluated: 2025-12-15. Review status: criteria provided, single submitter. Criteria: ACMG Guidelines, 2015. Collection method: clinical testing. Allele origin: germline. Affected: yes.
Comment: The variant is not observed in the gnomAD v4.1.0 dataset. Predicted Consequence/Location: Canonical splice site: predicted to alter splicing and result in a loss or disruption of normal protein function. Notably, a nearby well-known pathogenic canonical splice site variant (NM_005188.4:c.1228-2A>G) has been experimentally confirmed to cause an in-frame deletion of exon 9 (PMID: 20694012). In silico tools predict the variant to alter splicing and produce an abnormal transcript [SpliceAI: 1.00 (spliceogenicity >=0.2, non-spliceogenicity <0.1)]. Therefore, this variant is classified as VUS according to the recommendation of ACMG/AMP guideline.

NM_005188.4(CBL):c.1227+2_1227+6del

Gene: CBL (Cbl proto-oncogene; plus strand). Cytogenetic location: 11q23.3.
Variant type: Deletion.
Coding change: c.1227+2_1227+6del on transcript NM_005188.4 (MANE Select); the canonical splice donor site of the intron after coding-DNA position 1227 through 6 bases into the intron after coding-DNA position 1227, 5 bases deleted (TACGG; older notation c.1227+2_1227+6delTACGG).
Molecular consequence: splice donor variant.
Genome position (GRCh38, 1-based): chr11:119,278,299-119,278,303, TACGG deleted; deleting any 5 consecutive bases within chr11:119,278,297-119,278,303 gives the same sequence; the c. name uses the placement nearest the transcript's 3' end. VCF-style (leftmost placement, unchanged base first): chr11-119278296-AGGTAC-A. GRCh37 (hg19) VCF-style: chr11-119149006-AGGTAC-A.
Identifiers: ClinVar variation 4855528 (VCV004855528.1).